The following is an entry in ClinVar:

ClinVar aggregate classification (germline): Uncertain significance. Review status: criteria provided, multiple submitters, no conflicts (2 of 4 stars). 2 submissions from 2 submitters: Uncertain significance (2). Last evaluated 2025-10-17.

Submissions (2):

Labcorp Genetics (formerly Invitae), Labcorp
Classification: Uncertain significance. Last evaluated: 2025-10-17. Review status: criteria provided, single submitter. Criteria: Invitae Variant Classification Sherloc (09022015). Collection method: clinical testing. Allele origin: germline.
Comment: This sequence change affects a splice site in intron 13 of the IL12RB2 gene. It is expected to disrupt RNA splicing. Variants that disrupt the donor or acceptor splice site typically lead to a loss of protein function (PMID: 16199547), however the current clinical and genetic evidence is not sufficient to establish whether loss-of-function variants in IL12RB2 cause disease. This variant is present in population databases (rs780902808, gnomAD 0.03%). This variant has not been reported in the literature in individuals affected with IL12RB2-related conditions. ClinVar contains an entry for this variant (Variation ID: 2415423). Algorithms developed to predict the effect of sequence changes on RNA splicing suggest that this variant may disrupt the consensus splice site. In summary, the available evidence is currently insufficient to determine the role of this variant in disease. Therefore, it has been classified as a Variant of Uncertain Significance.

Blueprint Genetics
Classification: Uncertain significance. Last evaluated: 2024-06-24. Review status: criteria provided, single submitter. Criteria: ACMG Guidelines, 2015. Collection method: clinical testing. Allele origin: germline.

Literature cited by the submitters: PubMed 16199547 (cited by Labcorp Genetics (formerly Invitae), Labcorp).

NM_001374259.2(IL12RB2):c.1855+2_1855+8del

Gene: IL12RB2 (interleukin 12 receptor subunit beta 2; plus strand). Cytogenetic location: 1p31.3.
Variant type: Deletion.
Coding change: c.1855+2_1855+8del on transcript NM_001374259.2 (MANE Select); the canonical splice donor site of the intron after coding-DNA position 1855 through 8 bases into the intron after coding-DNA position 1855, 7 bases deleted (TGAGAGG; older notation c.1855+2_1855+8delTGAGAGG).
Molecular consequence: splice donor variant.
Genome position (GRCh38, 1-based): chr1:67,380,125-67,380,131, TGAGAGG deleted; deleting any 7 consecutive bases within chr1:67,380,122-67,380,131 gives the same sequence; the c. name uses the placement nearest the transcript's 3' end. VCF-style (leftmost placement, unchanged base first): chr1-67380121-AAGGTGAG-A. GRCh37 (hg19) VCF-style: chr1-67845804-AAGGTGAG-A.
Other names: c.1855+2_1855+8del (NM_001258214.1, NM_001319233.1, NM_001258216.1 and 1 more transcripts); c.1597+2_1597+8del (NM_001258215.1).
Identifiers: ClinVar variation 2415423 (VCV002415423.6), dbSNP rs780902808, ClinGen allele CA900582.